The following is an entry in ClinVar:

NM_015141.4(GPD1L):c.652G>A (p.Gly218Ser)

Gene: GPD1L (glycerol-3-phosphate dehydrogenase 1 like; plus strand). Cytogenetic location: 3p22.3.
Variant type: single nucleotide variant.
Coding change: c.652G>A on transcript NM_015141.4 (MANE Select); coding-DNA position 652, G replaced by A.
Protein change: p.Gly218Ser; replaces glycine 218 with serine.
Molecular consequence: missense variant.
Genome position (GRCh38, 1-based): chr3:32,158,909, G>A. VCF-style: chr3-32158909-G-A. GRCh37 (hg19) VCF-style: chr3-32200401-G-A.
Other names: short protein forms G218S.
Identifiers: ClinVar variation 426646 (VCV000426646.10), dbSNP rs559530222, ClinGen allele CA2296721.

ClinVar aggregate classification (germline): Uncertain significance. Review status: criteria provided, multiple submitters, no conflicts (2 of 4 stars). 3 submissions from 3 submitters: Uncertain significance (3). Last evaluated 2025-12-01.

Conditions:
Cardiovascular phenotype. Identifiers: MedGen CN230736.
Brugada syndrome. Also called: Sudden unexplained nocturnal death syndrome; Sudden Unexplained Death Syndrome; Sudden Unexplained Nocturnal Death Syndrome (SUNDS); Sudden unexpected nocturnal death syndrome. Identifiers: Orphanet 130, MedGen C1142166, MONDO:0015263.

Allele frequency attached by ClinVar (database versions not stated): ExAC 0.00001; gnomAD 0.00001 and 0.00002; gnomAD exomes 0.00001; TOPMed 0.00002; 1000 Genomes Project 30x 0.00016; 1000 Genomes Project 0.00020.
gnomAD v4.1: 20 of 1,614,076 alleles (0.0012%); highest among the groups gnomAD compares: East Asian, 0.0045%; 1 homozygote.

Submissions (3):

Labcorp Genetics (formerly Invitae), Labcorp
Classification: Uncertain significance for Brugada syndrome. Last evaluated: 2025-12-01. Review status: criteria provided, single submitter. Criteria: Invitae Variant Classification Sherloc (09022015). Collection method: clinical testing. Allele origin: germline.
Comment: This sequence change replaces glycine, which is neutral and non-polar, with serine, which is neutral and polar, at codon 218 of the GPD1L protein (p.Gly218Ser). This variant is present in population databases (rs559530222, gnomAD 0.003%). This variant has not been reported in the literature in individuals affected with GPD1L-related conditions. ClinVar contains an entry for this variant (Variation ID: 426646). Invitae Evidence Modeling of protein sequence and biophysical properties (such as structural, functional, and spatial information, amino acid conservation, physicochemical variation, residue mobility, and thermodynamic stability) indicates that this missense variant is not expected to disrupt GPD1L protein function with a negative predictive value of 80%. In summary, the available evidence is currently insufficient to determine the role of this variant in disease. Therefore, it has been classified as a Variant of Uncertain Significance.

Ambry Genetics
Classification: Uncertain significance for Cardiovascular phenotype. Last evaluated: 2025-01-13. Review status: criteria provided, single submitter. Criteria: Ambry Variant Classification Scheme 2023. Collection method: clinical testing. Allele origin: germline.
Comment: The p.G218S variant (also known as c.652G>A), located in coding exon 6 of the GPD1L gene, results from a G to A substitution at nucleotide position 652. The glycine at codon 218 is replaced by serine, an amino acid with similar properties. This amino acid position is conserved. In addition, this alteration is predicted to be deleterious by in silico analysis. Since supporting evidence is limited at this time, the clinical significance of this alteration remains unclear.

GeneDx
Classification: Uncertain significance. Last evaluated: 2019-12-05. Review status: criteria provided, single submitter. Criteria: GeneDx Variant Classification Process June 2021. Collection method: clinical testing. Allele origin: germline. Affected: yes.
Comment: Not observed at a significant frequency in large population cohorts (Lek et al., 2016); In silico analysis, which includes protein predictors and evolutionary conservation, supports a deleterious effect; Has not been previously published as pathogenic or benign to our knowledge